The following is an entry in ClinVar:

ClinVar aggregate classification (germline): Likely benign (1 of 4 stars; one submission).

Allele frequency attached by ClinVar (database versions not stated): TOPMed 0.00025; 1000 Genomes Project 30x 0.00031; 1000 Genomes Project 0.00040; gnomAD 0.00119 and 0.00129.
gnomAD v4.1: 560 of 543,984 alleles (0.1%); highest among the groups gnomAD compares: Non-Finnish European, 0.048%; 5 homozygotes.

Submission:

GeneDx
Classification: Likely benign. Last evaluated: 2018-06-16. Review status: criteria provided, single submitter. Criteria: GeneDx Variant Classification (06012015). Collection method: clinical testing. Allele origin: germline. Affected: yes.
Comment: This variant is considered likely benign or benign based on one or more of the following criteria: it is a conservative change, it occurs at a poorly conserved position in the protein, it is predicted to be benign by multiple in silico algorithms, and/or has population frequency not consistent with disease.

NM_003680.4(YARS1):c.1140+253A>G

Genes: YARS1 (tyrosyl-tRNA synthetase 1; minus strand), LOC132088695 (Neanderthal introgressed variant-containing enhancer experimental_6796; plus strand). Cytogenetic location: 1p35.1.
Variant type: single nucleotide variant.
Coding change: c.1140+253A>G on transcript NM_003680.4 (MANE Select); 253 bases into the intron after coding-DNA position 1140, A replaced by G.
Molecular consequence: intron variant.
Genome position (GRCh38, 1-based): chr1:32,780,795, T>C on the plus strand (A>G on the coding strand, the complement: YARS1 is on the minus strand). VCF-style: chr1-32780795-T-C. GRCh37 (hg19) VCF-style: chr1-33246396-T-C.
Identifiers: ClinVar variation 673894 (VCV000673894.1), dbSNP rs533599913, ClinGen allele CA20274262.